The following is an entry in ClinVar:

NM_000489.6(ATRX):c.2044A>G (p.Asn682Asp)

Gene: ATRX (ATRX chromatin remodeler; minus strand). Cytogenetic location: Xq21.1.
Variant type: single nucleotide variant.
Coding change: c.2044A>G on transcript NM_000489.6 (MANE Select); coding-DNA position 2044, A replaced by G.
Protein change: p.Asn682Asp; replaces asparagine 682 with aspartic acid.
Molecular consequence: missense variant.
Genome position (GRCh38, 1-based): chrX:77,683,212, T>C on the plus strand (A>G on the coding strand, the complement: ATRX is on the minus strand). VCF-style: chrX-77683212-T-C. GRCh37 (hg19) VCF-style: chrX-76938704-T-C.
Other names: c.1930A>G, p.Asn644Asp (NM_138270.5); short protein forms N644D, N682D.
Identifiers: ClinVar variation 3618469 (VCV003618469.3).

ClinVar aggregate classification (germline): Uncertain significance. Review status: criteria provided, single submitter (1 of 4 stars). 2 submissions from 2 submitters: Uncertain significance (1). 1 of the submissions does not count toward it. Last evaluated 2024-07-31.

Conditions:
Alpha thalassemia-X-linked intellectual disability syndrome (ATRX). Also called: ALPHA-THALASSEMIA/MENTAL RETARDATION SYNDROME, X-LINKED; ATR, NONDELETION TYPE; ATR-X syndrome; Alpha thalassemia mental retardation syndrome, nondeletion type, X-linked; XLMR hypotonic face syndrome; X-linked alpha-thalassemia-mental retardation syndrome. Identifiers: Orphanet 847, MedGen C1845055, MONDO:0010519, OMIM 301040.

gnomAD v4.1: 3 of 1,211,232 alleles (0.00025%); highest among the groups gnomAD compares: Middle Eastern, 0.023%; no homozygotes.

Submissions (2):

Labcorp Genetics (formerly Invitae), Labcorp
Classification: Uncertain significance for Alpha thalassemia-X-linked intellectual disability syndrome. Last evaluated: 2024-07-31. Review status: criteria provided, single submitter. Criteria: Invitae Variant Classification Sherloc (09022015). Collection method: clinical testing. Allele origin: germline.
Comment: This sequence change replaces asparagine, which is neutral and polar, with aspartic acid, which is acidic and polar, at codon 682 of the ATRX protein (p.Asn682Asp). This variant is not present in population databases (gnomAD no frequency). This variant has not been reported in the literature in individuals affected with ATRX-related conditions. Advanced modeling of protein sequence and biophysical properties (such as structural, functional, and spatial information, amino acid conservation, physicochemical variation, residue mobility, and thermodynamic stability) performed at Invitae indicates that this missense variant is not expected to disrupt ATRX protein function with a negative predictive value of 95%. In summary, the available evidence is currently insufficient to determine the role of this variant in disease. Therefore, it has been classified as a Variant of Uncertain Significance.

Natera, Inc.
Classification: Uncertain significance for X-linked alpha-thalassemia-mental retardation syndrome. Last evaluated: 2025-02-25. Review status: no assertion criteria provided. Collection method: clinical testing. Allele origin: germline. Not counted in ClinVar's aggregate classification.